The following is an entry in ClinVar:

ClinVar aggregate classification (germline): Pathogenic/Likely pathogenic. Review status: criteria provided, multiple submitters, no conflicts (2 of 4 stars). 4 submissions from 4 submitters: Pathogenic (3); Likely pathogenic (1). Last evaluated 2026-04-22.

Conditions:
3-Oxo-5 alpha-steroid delta 4-dehydrogenase deficiency (PPSH). Also called: PSEUDOVAGINAL PERINEOSCROTAL HYPOSPADIAS; FAMILIAL INCOMPLETE MALE PSEUDOHERMAPHRODITISM, TYPE 2; MALE PSEUDOHERMAPHRODITISM DUE TO 5-ALPHA-REDUCTASE DEFICIENCY; 46,XY disorder of sex development due to 5-alpha-reductase 2 deficiency. Identifiers: Orphanet 753, MedGen C0268297, MONDO:0009923, OMIM 264600. Disease mechanism: loss of function.
Differences in sex development.

Allele frequency attached by ClinVar (database versions not stated): ExAC 0.00002; gnomAD exomes 0.00001; gnomAD 0.00002; 1000 Genomes Project 30x 0.00016; 1000 Genomes Project 0.00020.
gnomAD v4.1: 13 of 1,613,886 alleles (0.00081%); highest among the groups gnomAD compares: South Asian, 0.013%; no homozygotes.

Submissions (4):

NHS Central & South Genomic Laboratory Hub
Classification: Likely pathogenic for Differences in sex development. Last evaluated: 2026-04-22. Review status: criteria provided, single submitter. Criteria: ACMG Guidelines, 2015. Collection method: clinical testing. Allele origin: germline. Affected: yes.

Victorian Clinical Genetics Services, Murdoch Childrens Research Institute
Classification: Pathogenic for 3-Oxo-5 alpha-steroid delta 4-dehydrogenase deficiency. Last evaluated: 2025-04-15. Review status: criteria provided, single submitter. Criteria: ACMG Guidelines, 2015. Collection method: clinical testing. Allele origin: germline. Affected: yes.
Comment: This variant is classified as Pathogenic. Evidence in support of pathogenic classification: Variant is present in gnomAD <0.01 for a recessive condition (v4: 13 heterozygote(s), 0 homozygote(s)); This variant has strong previous evidence of pathogenicity in unrelated individuals. This variant has been classified as pathogenic by clinical laboratories in ClinVar, and reported in the literature in homozygous and compound heterozygous individuals with disorders of sex development due to 5-alpha-reductase 2 deficiency (PMID: 32567554, 35700942); Another missense variant(s) comparable to the one identified in this case has moderate previous evidence for pathogenicity. p.(Glu197Asp) has been classified as pathogenic by a clinical laboratory in ClinVar. It has also been reported in homozygous and compound heterozygote individuals with 5-alpha-reductase 2 deficiency (PMID: 35154247, 20019388, 8262007); Missense variant predicted to be damaging by in silico tool(s) or highly conserved with a major amino acid change. Additional information: Variant is predicted to result in a missense amino acid change from glutamic acid to lysine; This variant is heterozygous; This gene is associated with autosomal recessive disease; Alternative amino acid change(s) at the same position are present in gnomAD (Highest allele count: v4: 4 heterozygote(s), 0 homozygote(s)); Variant is located in the annotated 3-oxo-5-alpha-steroid 4-dehydrogenase domain (DECIPHER); Loss of function is a known mechanism of disease in this gene and is associated with 46,XY disorder of sex development due to 5-alpha-reductase 2 deficiency (MONDO:0009923); Heterozygous variant detected in trans with a second PATHOGENIC heterozygous variant (NM_000348.4(SRD5A2):c.680G>A; p.(Arg227Gln)) in a recessive disease; Inheritance information for this variant is not currently available in this individual.

Labcorp Genetics (formerly Invitae), Labcorp
Classification: Pathogenic for 3-Oxo-5 alpha-steroid delta 4-dehydrogenase deficiency. Last evaluated: 2024-09-06. Review status: criteria provided, single submitter. Criteria: Invitae Variant Classification Sherloc (09022015). Collection method: clinical testing. Allele origin: germline.
Comment: This sequence change replaces glutamic acid, which is acidic and polar, with lysine, which is basic and polar, at codon 197 of the SRD5A2 protein (p.Glu197Lys). This variant is present in population databases (rs534671822, gnomAD 0.01%). This missense change has been observed in individual(s) with steroid-5 alpha-reductase deficiency (PMID: 30695888, 35700942, 36617173; internal data). ClinVar contains an entry for this variant (Variation ID: 1298365). Invitae Evidence Modeling of protein sequence and biophysical properties (such as structural, functional, and spatial information, amino acid conservation, physicochemical variation, residue mobility, and thermodynamic stability) indicates that this missense variant is expected to disrupt SRD5A2 protein function with a positive predictive value of 80%. Algorithms developed to predict the effect of sequence changes on RNA splicing suggest that this variant may disrupt the consensus splice site. This variant disrupts the p.Glu197 amino acid residue in SRD5A2. Other variant(s) that disrupt this residue have been determined to be pathogenic (PMID: 8262007, 10999800, 20019388; internal data). This suggests that this residue is clinically significant, and that variants that disrupt this residue are likely to be disease-causing. For these reasons, this variant has been classified as Pathogenic.

Dept. of Cytogenetics, ICMR- National Institute of Immunohaematology
Classification: Pathogenic for 3-Oxo-5 alpha-steroid delta 4-dehydrogenase deficiency. Review status: criteria provided, single submitter. Criteria: ACMG Guidelines, 2015. Collection method: clinical testing. Allele origin: germline. Affected: yes. Observed: 1 homozygote.

Literature cited by the submitters: PubMed 32567554 (cited by Victorian Clinical Genetics Services, Murdoch Childrens Research Institute); PubMed 35700942 (cited by Victorian Clinical Genetics Services, Murdoch Childrens Research Institute and Labcorp Genetics (formerly Invitae), Labcorp); PubMed 35154247 (cited by Victorian Clinical Genetics Services, Murdoch Childrens Research Institute); PubMed 20019388 (cited by Victorian Clinical Genetics Services, Murdoch Childrens Research Institute and Labcorp Genetics (formerly Invitae), Labcorp); PubMed 8262007 (cited by Victorian Clinical Genetics Services, Murdoch Childrens Research Institute and Labcorp Genetics (formerly Invitae), Labcorp); PubMed 30695888 (cited by Labcorp Genetics (formerly Invitae), Labcorp); PubMed 36617173 (cited by Labcorp Genetics (formerly Invitae), Labcorp); PubMed 10999800 (cited by Labcorp Genetics (formerly Invitae), Labcorp).

NM_000348.4(SRD5A2):c.589G>A (p.Glu197Lys)

Gene: SRD5A2 (steroid 5 alpha-reductase 2; minus strand). Cytogenetic location: 2p23.1.
Variant type: single nucleotide variant.
Coding change: c.589G>A on transcript NM_000348.4 (MANE Select); coding-DNA position 589, G replaced by A.
Protein change: p.Glu197Lys; replaces glutamic acid 197 with lysine.
Molecular consequence: missense variant.
Genome position (GRCh38, 1-based): chr2:31,529,416, C>T on the plus strand (G>A on the coding strand, the complement: SRD5A2 is on the minus strand). VCF-style: chr2-31529416-C-T. GRCh37 (hg19) VCF-style: chr2-31754486-C-T.
Other names: short protein forms E197K.
Identifiers: ClinVar variation 1298365 (VCV001298365.9), dbSNP rs534671822, ClinGen allele CA1599884.